The following is an entry in ClinVar:

NM_001267550.2(TTN):c.33094+131C>T

Gene: TTN (titin; minus strand). Cytogenetic location: 2q31.2.
Variant type: single nucleotide variant.
Coding change: c.33094+131C>T on transcript NM_001267550.2 (MANE Select); 131 bases into the intron after coding-DNA position 33094, C replaced by T.
Molecular consequence: intron variant.
Genome position (GRCh38, 1-based): chr2:178,682,566, G>A on the plus strand (C>T on the coding strand, the complement: TTN is on the minus strand). VCF-style: chr2-178682566-G-A. GRCh37 (hg19) VCF-style: chr2-179547293-G-A.
Other names: c.13283-40249C>T (NM_003319.4); c.13859-40249C>T (NM_133437.4); c.13658-40249C>T (NM_133432.3); c.29362+131C>T (NM_133378.4); c.32143+131C>T (NM_001256850.1).
Identifiers: ClinVar variation 672607 (VCV000672607.2), dbSNP rs4894034, ClinGen allele CA11260883.

ClinVar aggregate classification (germline): Benign. Review status: criteria provided, multiple submitters, no conflicts (2 of 4 stars). 2 submissions from 2 submitters: Benign (2). Last evaluated 2018-06-14.

Allele frequency attached by ClinVar (database versions not stated): gnomAD exomes 0.03607; gnomAD 0.05651 and 0.05959; TOPMed 0.06339; 1000 Genomes Project 0.09325; 1000 Genomes Project 30x 0.09338.
gnomAD v4.1: 36,012 of 894,082 alleles (4%); highest among the groups gnomAD compares: Admixed American, 16%; 1,588 homozygotes.

Submissions (2):

GeneDx
Classification: Benign. Last evaluated: 2018-06-14. Review status: criteria provided, single submitter. Criteria: GeneDx Variant Classification (06012015). Collection method: clinical testing. Allele origin: germline. Affected: yes.
Comment: This variant is considered likely benign or benign based on one or more of the following criteria: it is a conservative change, it occurs at a poorly conserved position in the protein, it is predicted to be benign by multiple in silico algorithms, and/or has population frequency not consistent with disease.

Breakthrough Genomics
Classification: Benign. Review status: criteria provided, single submitter. Criteria: ACMG Guidelines, 2015. Collection method: not provided. Allele origin: germline. Inheritance: Autosomal recessive inheritance. Affected: yes.